The following is an entry in ClinVar:

ClinVar aggregate classification (germline): Likely benign. Review status: criteria provided, multiple submitters, no conflicts (2 of 4 stars). 5 submissions from 5 submitters: Likely benign (4). 1 of the submissions does not count toward it. Last evaluated 2025-06-26.

Conditions:
MEF2C-related disorder. Also called: MEF2C-related condition; MEF2C-related disorders. Identifiers: MedGen CN381096.
Neurodevelopmental disorder with hypotonia, stereotypic hand movements, and impaired language. Also called: Intellectual disability, autosomal dominant 20. Identifiers: Orphanet 228384, Orphanet 664410, MedGen C3150700, MONDO:0013266, OMIM 613443.

Allele frequency attached by ClinVar (database versions not stated): gnomAD 0.00002; gnomAD exomes 0.00002 and 0.00003; TOPMed 0.00003; ExAC 0.00004.
gnomAD v4.1: 38 of 1,610,732 alleles (0.0024%); highest among the groups gnomAD compares: Non-Finnish European, 0.0031%; no homozygotes.

Submissions (5):

Labcorp Genetics (formerly Invitae), Labcorp
Classification: Likely benign for Neurodevelopmental disorder with hypotonia, stereotypic hand movements, and impaired language. Last evaluated: 2025-06-26. Review status: criteria provided, single submitter. Criteria: Invitae Variant Classification Sherloc (09022015). Collection method: clinical testing. Allele origin: germline.

Blueprint Genetics
Classification: Likely benign. Last evaluated: 2024-10-14. Review status: criteria provided, single submitter. Criteria: ACMG Guidelines, 2015. Collection method: clinical testing. Allele origin: germline.

GeneDx
Classification: Likely benign. Last evaluated: 2015-11-05. Review status: criteria provided, single submitter. Criteria: GeneDx Variant Classification (06012015). Collection method: clinical testing. Allele origin: germline. Affected: yes.
Comment: This variant is considered likely benign or benign based on one or more of the following criteria: it is a conservative change, it occurs at a poorly conserved position in the protein, it is predicted to be benign by multiple in silico algorithms, and/or has population frequency not consistent with disease.

Genetic Services Laboratory, University of Chicago
Classification: Likely benign. Last evaluated: 2014-10-01. Review status: criteria provided, single submitter. Criteria: ACMG Guidelines, 2015. Collection method: clinical testing. Allele origin: germline.

PreventionGenetics, part of Exact Sciences
Classification: Likely benign for MEF2C-related condition. Last evaluated: 2019-06-17. Review status: no assertion criteria provided. Collection method: clinical testing. Allele origin: germline. Not counted in ClinVar's aggregate classification.
Comment: This variant is classified as likely benign based on ACMG/AMP sequence variant interpretation guidelines (Richards et al. 2015 PMID: 25741868, with internal and published modifications).

NM_002397.5(MEF2C):c.810+10A>T

Gene: MEF2C (myocyte enhancer factor 2C; minus strand). Cytogenetic location: 5q14.3.
Variant type: single nucleotide variant.
Coding change: c.810+10A>T on transcript NM_002397.5 (MANE Select); 10 bases into the intron after coding-DNA position 810, A replaced by T.
Molecular consequence: intron variant.
Genome position (GRCh38, 1-based): chr5:88,731,719, T>A on the plus strand (A>T on the coding strand, the complement: MEF2C is on the minus strand). VCF-style: chr5-88731719-T-A. GRCh37 (hg19) VCF-style: chr5-88027536-T-A.
Other names: c.810+10A>T (NM_001364329.2, NM_001364330.2, NM_001364333.2 and 18 more transcripts); c.666+10A>T (NM_001364344.2, NM_001364354.2, NM_001364332.2 and 3 more transcripts); c.432+10A>T (NM_001364353.2, NM_001364356.2); c.804+10A>T (NM_001131005.2, NM_001364352.2, NM_001364343.2); c.864+10A>T (NM_001193347.1, NM_001364338.2); c.384+10A>T (NM_001364357.2).
Identifiers: ClinVar variation 158887 (VCV000158887.17), dbSNP rs587783748, ClinGen allele CA172592.